The following is an entry in ClinVar:

NM_001291303.3(FAT4):c.5424C>G (p.Ser1808=)

Gene: FAT4 (FAT atypical cadherin 4; plus strand). Cytogenetic location: 4q28.1.
Variant type: single nucleotide variant.
Coding change: c.5424C>G on transcript NM_001291303.3 (MANE Select); coding-DNA position 5424, C replaced by G.
Protein change: p.Ser1808=; no amino-acid change (serine 1808 retained).
Molecular consequence: synonymous variant.
Genome position (GRCh38, 1-based): chr4:125,406,996, C>G. VCF-style: chr4-125406996-C-G. GRCh37 (hg19) VCF-style: chr4-126328151-C-G.
Other names: c.5424C>G, p.Ser1808= (NM_001291285.3, NM_024582.6).
Identifiers: ClinVar variation 514175 (VCV000514175.9), dbSNP rs200354953, ClinGen allele CA3072716.

ClinVar aggregate classification (germline): Likely benign. Review status: criteria provided, multiple submitters, no conflicts (2 of 4 stars). 2 submissions from 2 submitters: Likely benign (2). Last evaluated 2025-12-11.

Allele frequency attached by ClinVar (database versions not stated): ExAC 0.00001; gnomAD 0.00001; TOPMed 0.00001; gnomAD exomes 0.00002; 1000 Genomes Project 0.00020; 1000 Genomes Project 30x 0.00047.
gnomAD v4.1: 21 of 1,613,818 alleles (0.0013%); highest among the groups gnomAD compares: Admixed American, 0.013%; no homozygotes.

Submissions (2):

Labcorp Genetics (formerly Invitae), Labcorp
Classification: Likely benign. Last evaluated: 2025-12-11. Review status: criteria provided, single submitter. Criteria: Invitae Variant Classification Sherloc (09022015). Collection method: clinical testing. Allele origin: germline.

GeneDx
Classification: Likely benign. Last evaluated: 2017-12-22. Review status: criteria provided, single submitter. Criteria: GeneDx Variant Classification (06012015). Collection method: clinical testing. Allele origin: germline. Affected: yes.
Comment: This variant is considered likely benign or benign based on one or more of the following criteria: it is a conservative change, it occurs at a poorly conserved position in the protein, it is predicted to be benign by multiple in silico algorithms, and/or has population frequency not consistent with disease.